The following is an entry in ClinVar:

NM_016213.5(TRIP4):c.1396C>T (p.Arg466Ter)

Gene: TRIP4 (thyroid hormone receptor interactor 4; plus strand). Cytogenetic location: 15q22.31.
Variant type: single nucleotide variant.
Coding change: c.1396C>T on transcript NM_016213.5 (MANE Select); coding-DNA position 1396, C replaced by T.
Protein change: p.Arg466Ter; replaces arginine 466 with a stop codon.
Molecular consequence: nonsense. On other transcripts: non-coding transcript variant (1).
Genome position (GRCh38, 1-based): chr15:64,424,068, C>T. VCF-style: chr15-64424068-C-T. GRCh37 (hg19) VCF-style: chr15-64716267-C-T.
Other names: c.706C>T, p.Arg236Ter (NM_001321924.2); short protein forms R236*, R466*.
Identifiers: ClinVar variation 3011458 (VCV003011458.4), dbSNP rs745835965, ClinGen allele CA7609650.
Genomic context (GRCh38, chr15:64,424,068, plus strand): 5'-CACTAAATTTCTATTTGTTTAAGGGTGGAGGGCAGATCCTGGTACACCCCCCACAGAGGA[C>T]GACTTTGGATAGCAGCCACAGCTAAAAAACCCTCCCCTCAAGAAGTCTCAGAACTCCAGG-3'

ClinVar aggregate classification (germline): Pathogenic/Likely pathogenic. Review status: criteria provided, multiple submitters, no conflicts (2 of 4 stars). 2 submissions from 2 submitters: Pathogenic (1); Likely pathogenic (1). Last evaluated 2024-09-19.

Allele frequency attached by ClinVar (database versions not stated): ExAC 0.00001; gnomAD 0.00001; gnomAD exomes 0.00001; TOPMed 0.00001.
gnomAD v4.1: 6 of 1,613,966 alleles (0.00037%); highest among the groups gnomAD compares: African/African-American, 0.0013%; no homozygotes.

Submissions (2):

Revvity Omics, Revvity
Classification: Likely pathogenic. Last evaluated: 2024-09-19. Review status: criteria provided, single submitter. Criteria: ACMG Guidelines, 2015. Collection method: clinical testing. Allele origin: germline.

Labcorp Genetics (formerly Invitae), Labcorp
Classification: Pathogenic. Last evaluated: 2024-01-06. Review status: criteria provided, single submitter. Criteria: Invitae Variant Classification Sherloc (09022015). Collection method: clinical testing. Allele origin: germline.
Comment: This sequence change creates a premature translational stop signal (p.Arg466*) in the TRIP4 gene. It is expected to result in an absent or disrupted protein product. Loss-of-function variants in TRIP4 are known to be pathogenic (PMID: 26924529, 27008887). This variant is present in population databases (rs745835965, gnomAD 0.009%). This variant has not been reported in the literature in individuals affected with TRIP4-related conditions. For these reasons, this variant has been classified as Pathogenic.

Literature cited by the submitters: PubMed 26924529 (cited by Labcorp Genetics (formerly Invitae), Labcorp); PubMed 27008887 (cited by Labcorp Genetics (formerly Invitae), Labcorp).